The following is an entry in ClinVar:

ClinVar aggregate classification (germline): Likely benign. Review status: criteria provided, multiple submitters, no conflicts (2 of 4 stars). 2 submissions from 2 submitters: Likely benign (2). Last evaluated 2025-01-23.

Allele frequency attached by ClinVar (database versions not stated): gnomAD 0.00001; TOPMed 0.00001; gnomAD exomes 0.00003 and 0.00004; ExAC 0.00007.
gnomAD v4.1: 46 of 1,609,964 alleles (0.0029%); highest among the groups gnomAD compares: South Asian, 0.0077%; no homozygotes.

Submissions (2):

Labcorp Genetics (formerly Invitae), Labcorp
Classification: Likely benign. Last evaluated: 2025-01-23. Review status: criteria provided, single submitter. Criteria: Invitae Variant Classification Sherloc (09022015). Collection method: clinical testing. Allele origin: germline.

GeneDx
Classification: Likely benign. Last evaluated: 2016-08-05. Review status: criteria provided, single submitter. Criteria: GeneDx Variant Classification (06012015). Collection method: clinical testing. Allele origin: germline. Affected: yes.
Comment: This variant is considered likely benign or benign based on one or more of the following criteria: it is a conservative change, it occurs at a poorly conserved position in the protein, it is predicted to be benign by multiple in silico algorithms, and/or has population frequency not consistent with disease.

NM_175614.5(NDUFA11):c.98-14C>T

Gene: NDUFA11 (NADH:ubiquinone oxidoreductase subunit A11; minus strand). Cytogenetic location: 19p13.3.
Variant type: single nucleotide variant.
Coding change: c.98-14C>T on transcript NM_175614.5 (MANE Select); 14 bases into the intron before coding-DNA position 98, C replaced by T.
Molecular consequence: intron variant.
Genome position (GRCh38, 1-based): chr19:5,897,011, G>A on the plus strand (C>T on the coding strand, the complement: NDUFA11 is on the minus strand). VCF-style: chr19-5897011-G-A. GRCh37 (hg19) VCF-style: chr19-5897022-G-A.
Other names: c.98-14C>T (NM_001193375.3).
Identifiers: ClinVar variation 388154 (VCV000388154.3), dbSNP rs758297555, ClinGen allele CA9119023.